The following is an entry in ClinVar:

NM_006005.3(WFS1):c.2099G>A (p.Trp700Ter)

Gene: WFS1 (wolframin ER transmembrane glycoprotein; plus strand). Cytogenetic location: 4p16.1.
Variant type: single nucleotide variant.
Coding change: c.2099G>A on transcript NM_006005.3 (MANE Select); coding-DNA position 2099, G replaced by A.
Protein change: p.Trp700Ter; replaces tryptophan 700 with a stop codon.
Molecular consequence: nonsense.
Genome position (GRCh38, 1-based): chr4:6,301,894, G>A. VCF-style: chr4-6301894-G-A. GRCh37 (hg19) VCF-style: chr4-6303621-G-A.
Other names: c.2099G>A, p.Trp700Ter (NM_001145853.1); short protein forms W700*.
Identifiers: ClinVar variation 1456386 (VCV001456386.7), dbSNP rs372114182, ClinGen allele CA2839598.

ClinVar aggregate classification (germline): Pathogenic. Review status: criteria provided, multiple submitters, no conflicts (2 of 4 stars). 2 submissions from 2 submitters: Pathogenic (2). Last evaluated 2022-04-13.

Conditions:
WFS1-related disorder. Identifiers: MedGen CN379391, MONDO:0700293.

Allele frequency attached by ClinVar (database versions not stated): gnomAD exomes below 0.00001 and 0.00002; TOPMed below 0.00001; ExAC 0.00001; ESP Exome Variant Server 0.00008.
gnomAD v4.1: 26 of 1,612,818 alleles (0.0016%); highest among the groups gnomAD compares: Non-Finnish European, 0.0021%; no homozygotes.

Submissions (2):

Blueprint Genetics
Classification: Pathogenic for WFS1-related disorders. Last evaluated: 2022-04-13. Review status: criteria provided, single submitter. Criteria: ACMG Guidelines, 2015. Collection method: clinical testing. Allele origin: germline. Affected: yes. Observed: 2 variant alleles.

Labcorp Genetics (formerly Invitae), Labcorp
Classification: Pathogenic. Last evaluated: 2021-07-10. Review status: criteria provided, single submitter. Criteria: Invitae Variant Classification Sherloc (09022015). Collection method: clinical testing. Allele origin: germline.
Comment: This sequence change creates a premature translational stop signal (p.Trp700*) in the WFS1 gene. While this is not anticipated to result in nonsense mediated decay, it is expected to disrupt the last 191 amino acid(s) of the WFS1 protein. This variant is present in population databases (rs372114182, ExAC 0.002%). This premature translational stop signal has been observed in individual(s) with autosomal recessive Wolfram syndrome (PMID: 15605410, 28432734). This variant disrupts a region of the WFS1 protein in which other variant(s) (p.Gly702Ser) have been determined to be pathogenic (PMID: 21446023, 32179840). This suggests that this is a clinically significant region of the protein, and that variants that disrupt it are likely to be disease-causing. For these reasons, this variant has been classified as Pathogenic.

Literature cited by the submitters: PubMed 15605410 (cited by Labcorp Genetics (formerly Invitae), Labcorp); PubMed 28432734 (cited by Labcorp Genetics (formerly Invitae), Labcorp); PubMed 21446023 (cited by Labcorp Genetics (formerly Invitae), Labcorp); PubMed 32179840 (cited by Labcorp Genetics (formerly Invitae), Labcorp).